The following is an entry in ClinVar:

NM_024675.4(PALB2):c.2509G>T (p.Glu837Ter)

Gene: PALB2 (partner and localizer of BRCA2; minus strand). Cytogenetic location: 16p12.2.
Variant type: single nucleotide variant.
Coding change: c.2509G>T on transcript NM_024675.4 (MANE Select); coding-DNA position 2509, G replaced by T.
Protein change: p.Glu837Ter; replaces glutamic acid 837 with a stop codon.
Molecular consequence: nonsense.
Genome position (GRCh38, 1-based): chr16:23,629,645, C>A on the plus strand (G>T on the coding strand, the complement: PALB2 is on the minus strand). VCF-style: chr16-23629645-C-A. GRCh37 (hg19) VCF-style: chr16-23640966-C-A.
Other names: short protein forms E837*.
Identifiers: ClinVar variation 241546 (VCV000241546.21), dbSNP rs587778587, ClinGen allele CA10583361.
Genomic context (GRCh38, chr16:23,629,645, plus strand): 5'-TCACTAAGGCATTTCATTCCTTCAGAGAAAATTTCACAGAGGAAATGGATTGTACCTGTT[C>A]GACGGAATGTTTATGCAGCTCCTGGCATGTGTTTCTACAGAGCTGATTTTCTTTAAAAGT-3'

ClinVar aggregate classification (germline): Pathogenic. Review status: criteria provided, multiple submitters, no conflicts (2 of 4 stars). 8 submissions from 8 submitters: Pathogenic (7). 1 of the submissions does not count toward it. Last evaluated 2025-10-23.

Conditions:
Hereditary cancer-predisposing syndrome. Also called: Tumor predisposition; Neoplastic Syndromes, Hereditary; Hereditary Cancer Syndrome; Hereditary neoplastic syndrome. Identifiers: Orphanet 140162, MedGen C0027672, MeSH D009386, MONDO:0015356.
Hereditary breast ovarian cancer syndrome. Also called: Hereditary breast and ovarian cancer syndrome; Hereditary breast and ovarian cancer; Hereditary breast and ovarian cancer syndrome (HBOC); Hereditary breast and/or ovarian cancer syndrome; Breast and ovarian cancer; BRCA1- and BRCA2-Associated Hereditary Breast and Ovarian Cancer. Identifiers: Orphanet 145, MedGen C0677776, MeSH D061325, MONDO:0003582. Disease mechanism: loss of function.
Familial cancer of breast. Also called: Hereditary breast cancer; BREAST CANCER, FAMILIAL; hereditary breast carcinoma. Identifiers: Orphanet 227535, MedGen C0346153, MONDO:0016419, OMIM 114480. Disease mechanism: loss of function.
Pancreatic cancer, susceptibility to, 3. Identifiers: Orphanet 1333, MedGen C3150547, MONDO:0013236, OMIM 613348.

gnomAD v4.1: 1 of 1,613,820 alleles (0.000062%); highest among the groups gnomAD compares: Non-Finnish European, 0.000085%; no homozygotes.

Submissions (8):

Labcorp Genetics (formerly Invitae), Labcorp
Classification: Pathogenic for Familial cancer of breast. Last evaluated: 2025-10-23. Review status: criteria provided, single submitter. Criteria: Invitae Variant Classification Sherloc (09022015). Collection method: clinical testing. Allele origin: germline.
Comment: This sequence change creates a premature translational stop signal (p.Glu837*) in the PALB2 gene. It is expected to result in an absent or disrupted protein product. Loss-of-function variants in PALB2 are known to be pathogenic (PMID: 17200668, 17200671, 17200672, 24136930, 25099575). This variant is not present in population databases (gnomAD no frequency). This premature translational stop signal has been observed in individual(s) with pancreatic cancer (PMID: 25356972, 26270727). ClinVar contains an entry for this variant (Variation ID: 241546). For these reasons, this variant has been classified as Pathogenic.

Color Diagnostics, LLC DBA Color Health
Classification: Pathogenic for Hereditary cancer-predisposing syndrome. Last evaluated: 2025-09-22. Review status: criteria provided, single submitter. Criteria: ACMG Guidelines, 2015. Collection method: clinical testing. Allele origin: germline.
Comment: This variant changes 1 nucleotide in exon 5 of the PALB2 gene, creating a premature translation stop signal. This variant is expected to result in an absent or non-functional protein product. This variant has been reported in one individual each affected with pancreatic cancer and breast cancer, respectively (PMID: 25356972, 28724667). This variant also has been reported in a suspected hereditary breast and ovarian cancer family (PMID: 26270727). This variant has not been identified in the general population by the Genome Aggregation Database (gnomAD). Loss of PALB2 function is a known mechanism of disease. Based on the available evidence, this variant is classified as Pathogenic.

GeneDx
Classification: Pathogenic. Last evaluated: 2025-08-12. Review status: criteria provided, single submitter. Criteria: GeneDx Variant Classification Process June 2021. Collection method: clinical testing. Allele origin: germline. Affected: yes.
Comment: Nonsense variant predicted to result in protein truncation or nonsense mediated decay in a gene for which loss of function is a known mechanism of disease; Not observed at significant frequency in large population cohorts (gnomAD); Truncating variants in this gene are considered pathogenic by a well-established clinical consortium and/or database; This variant is associated with the following publications: (PMID: 25356972, 26270727, 33169439, 28724667)

Ambry Genetics
Classification: Pathogenic for Hereditary cancer-predisposing syndrome. Last evaluated: 2024-12-26. Review status: criteria provided, single submitter. Criteria: Ambry Variant Classification Scheme 2023. Collection method: clinical testing. Allele origin: germline.
Comment: The p.E837* pathogenic mutation (also known as c.2509G>T), located in coding exon 5 of the PALB2 gene, results from a G to T substitution at nucleotide position 2509. This changes the amino acid from a glutamic acid to a stop codon within coding exon 5. In one study, this variant was identified in 1/727 unrelated probands with a positive family history of pancreatic cancer; this individual also had a personal history of pancreatic cancer (Zhen DB et al. Genet. Med. 2015 Jul;17:569-77). This alteration was also detected in a cohort of 8085 consecutive unselected Chinese breast cancer patients who underwent multi-gene panel testing (Sun J et al. Clin. Cancer Res. 2017 Oct;23(20):6113-6119). This variant is considered to be rare based on population cohorts in the Genome Aggregation Database (gnomAD). In addition to the clinical data presented in the literature, this alteration is expected to result in loss of function by premature protein truncation or nonsense-mediated mRNA decay. As such, this alteration is interpreted as a disease-causing mutation.

Myriad Genetics, Inc.
Classification: Pathogenic for Familial cancer of breast. Last evaluated: 2023-09-12. Review status: criteria provided, single submitter. Criteria: Myriad Autosomal Dominant, Autosomal Recessive and X-Linked Classification Criteria (2023). Collection method: clinical testing. Allele origin: unknown.
Comment: This variant is considered pathogenic. This variant creates a termination codon and is predicted to result in premature protein truncation.

Baylor Genetics
Classification: Pathogenic for Familial cancer of breast. Last evaluated: 2023-04-15. Review status: criteria provided, single submitter. Criteria: ACMG Guidelines, 2015. Collection method: clinical testing. Allele origin: unknown.

Women's Health and Genetics/Laboratory Corporation of America, LabCorp
Classification: Pathogenic for Hereditary breast and ovarian cancer syndrome. Last evaluated: 2019-01-29. Review status: criteria provided, single submitter. Criteria: LabCorp Variant Classification Summary - May 2015. Collection method: clinical testing. Allele origin: germline.
Comment: Variant summary: PALB2 c.2509G>T (p.Glu837X) results in a premature termination codon, predicted to cause a truncation of the encoded protein or absence of the protein due to nonsense mediated decay, which are commonly known mechanisms for disease. Truncations downstream of this position have been classified as pathogenic by our laboratory (e.g. c.2607delC (p.Val870X), c.2920_2921delAA (p.Lys974fsX5), and c.3113G>A (p.Trp1038X)). The variant was absent in 276582 control chromosomes (gnomAD). c.2509G>T has been reported in the literature in individuals affected with Hereditary Breast and Ovarian Cancer and Pancreatic Cancer (Desmond_2015, Sun_2017, Zhen_2015). These data indicate that the variant may be associated with disease. To our knowledge, no experimental evidence demonstrating an impact on protein function has been reported. Three ClinVar submissions from clinical diagnostic laboratories (evaluation after 2014) cite the variant as pathogenic. Based on the evidence outlined above, the variant was classified as pathogenic.

Leiden Open Variation Database
Classification: Pathogenic for Pancreatic cancer, susceptibility to, 3. Last evaluated: 2019-05-13. Review status: no assertion criteria provided. Collection method: curation. Allele origin: germline. Affected: yes. Not counted in ClinVar's aggregate classification.
Comment: Curators: Marc Tischkowitz, Arleen D. Auerbach. Submitter to LOVD: Marc Tischkowitz.

Literature cited by the submitters: PubMed 17200668 (cited by Labcorp Genetics (formerly Invitae), Labcorp); PubMed 17200671 (cited by Labcorp Genetics (formerly Invitae), Labcorp); PubMed 17200672 (cited by Labcorp Genetics (formerly Invitae), Labcorp); PubMed 24136930 (cited by Labcorp Genetics (formerly Invitae), Labcorp); PubMed 25099575 (cited by Labcorp Genetics (formerly Invitae), Labcorp); PubMed 25356972 (cited by 4 submitters); PubMed 26270727 (cited by 3 submitters); PubMed 28724667 (cited by Color Diagnostics, LLC DBA Color Health and Ambry Genetics).